The following is an entry in ClinVar:

NM_153603.4(COG7):c.1601A>G (p.Tyr534Cys)

Gene: COG7 (component of oligomeric golgi complex 7; minus strand). Cytogenetic location: 16p12.2.
Variant type: single nucleotide variant.
Coding change: c.1601A>G on transcript NM_153603.4 (MANE Select); coding-DNA position 1601, A replaced by G.
Protein change: p.Tyr534Cys; replaces tyrosine 534 with cysteine.
Molecular consequence: missense variant.
Genome position (GRCh38, 1-based): chr16:23,406,137, T>C on the plus strand (A>G on the coding strand, the complement: COG7 is on the minus strand). VCF-style: chr16-23406137-T-C. GRCh37 (hg19) VCF-style: chr16-23417458-T-C.
Other names: short protein forms Y534C.
Identifiers: ClinVar variation 4987458 (VCV004987458.1).

ClinVar aggregate classification (germline): Uncertain significance (1 of 4 stars; one submission).

Conditions:
COG7-related disorder. Also called: COG7-related condition.

Submission:

PreventionGenetics, part of Exact Sciences
Classification: Uncertain significance for COG7-related condition. Last evaluated: 2025-04-14. Review status: criteria provided, single submitter. Criteria: ACMG Guidelines, 2015. Collection method: clinical testing. Allele origin: germline.
Comment: The COG7 c.1601A>G variant is predicted to result in the amino acid substitution p.Tyr534Cys. To our knowledge, this variant has not been reported in the literature or in a large population database (gnomAD), indicating this variant is rare. At this time, the clinical significance of this variant is uncertain due to the absence of conclusive functional and genetic evidence.